The following is an entry in ClinVar:

NM_017570.5(OPLAH):c.1094G>C (p.Gly365Ala)

Gene: OPLAH (5-oxoprolinase, ATP-hydrolysing; minus strand). Cytogenetic location: 8q24.3.
Variant type: single nucleotide variant.
Coding change: c.1094G>C on transcript NM_017570.5 (MANE Select); coding-DNA position 1094, G replaced by C.
Protein change: p.Gly365Ala; replaces glycine 365 with alanine.
Molecular consequence: missense variant.
Genome position (GRCh38, 1-based): chr8:144,057,918, C>G on the plus strand (G>C on the coding strand, the complement: OPLAH is on the minus strand). VCF-style: chr8-144057918-C-G. GRCh37 (hg19) VCF-style: chr8-145112821-C-G.
Other names: short protein forms G365A.
Identifiers: ClinVar variation 2016661 (VCV002016661.4), dbSNP rs782581546, ClinGen allele CA372567584.

ClinVar aggregate classification (germline): Uncertain significance (1 of 4 stars; one submission).

Conditions:
5-Oxoprolinase deficiency (OPLAHD). Also called: 5-OXOPROLINURIA DUE TO 5-OXOPROLINASE DEFICIENCY. Identifiers: Orphanet 33572, MedGen C0268525, MONDO:0009825, OMIM 260005, HP:0040142.

Allele frequency attached by ClinVar (database versions not stated): gnomAD 0.00001.
gnomAD v4.1: 3 of 1,611,798 alleles (0.00019%); highest among the groups gnomAD compares: Non-Finnish European, 0.00025%; no homozygotes.

Submission:

Labcorp Genetics (formerly Invitae), Labcorp
Classification: Uncertain significance for 5-Oxoprolinase deficiency. Last evaluated: 2024-10-30. Review status: criteria provided, single submitter. Criteria: Invitae Variant Classification Sherloc (09022015). Collection method: clinical testing. Allele origin: germline.
Comment: This sequence change replaces glycine, which is neutral and non-polar, with alanine, which is neutral and non-polar, at codon 365 of the OPLAH protein (p.Gly365Ala). This variant is present in population databases (no rsID available, gnomAD 0.007%). This variant has not been reported in the literature in individuals affected with OPLAH-related conditions. ClinVar contains an entry for this variant (Variation ID: 2016661). Experimental studies and prediction algorithms are not available or were not evaluated, and the functional significance of this variant is currently unknown. In summary, the available evidence is currently insufficient to determine the role of this variant in disease. Therefore, it has been classified as a Variant of Uncertain Significance.